The following is an entry in ClinVar:

NM_020066.5(FMN2):c.2844_2876del (p.Ala952_Ala962del)

Gene: FMN2 (formin 2; plus strand). Cytogenetic location: 1q43.
Variant type: Deletion.
Coding change: c.2844_2876del on transcript NM_020066.5 (MANE Select); coding-DNA positions 2844 to 2876, 33 bases deleted.
Protein change: p.Ala952_Ala962del.
Molecular consequence: inframe deletion. On other transcripts: intron variant (1).
Genome position (GRCh38, 1-based): chr1:240,207,656-240,207,688, 33 bases deleted; deleting any 33 consecutive bases within chr1:240,207,642-240,207,688 gives the same sequence; the c. name uses the placement nearest the transcript's 3' end. GRCh37 (hg19): chr1:240,370,956-240,370,988.
Other names: c.2856_2888del, p.Ala956_Ala966del (NM_001305424.2); c.1986+19394_1986+19426del (NM_001348094.2); c.2844_2876del33 (NM_020066.5).
Identifiers: ClinVar variation 446013 (VCV000446013.35), dbSNP rs758726356, ClinGen allele CA1476786.

ClinVar aggregate classification (germline): Likely benign. Review status: criteria provided, multiple submitters, no conflicts (2 of 4 stars). 5 submissions from 5 submitters: Likely benign (5). Last evaluated 2026-03-01.

Conditions:
Intellectual developmental disorder, autosomal recessive 47. Also called: Intellectual disability, autosomal recessive 47. Identifiers: Orphanet 88616, MedGen C4015444, MONDO:0014524, OMIM 616193.

Submissions (5):

CeGaT Center for Human Genetics Tuebingen
Classification: Likely benign. Last evaluated: 2026-03-01. Review status: criteria provided, single submitter. Criteria: CeGaT Center For Human Genetics Tuebingen Variant Classification Criteria Version 2. Collection method: clinical testing. Allele origin: germline. Affected: yes. Observed: 20 variant alleles.
Comment: FMN2: PM4, BS1

Blueprint Genetics
Classification: Likely benign. Last evaluated: 2024-11-26. Review status: criteria provided, single submitter. Criteria: ACMG Guidelines, 2015. Collection method: clinical testing. Allele origin: germline.

Women's Health and Genetics/Laboratory Corporation of America, LabCorp
Classification: Likely benign. Last evaluated: 2024-03-06. Review status: criteria provided, single submitter. Criteria: LabCorp Variant Classification Summary - May 2015. Collection method: clinical testing. Allele origin: germline.
Comment: Variant summary: FMN2 c.2844_2876del33 (p.Ala952_Ala962del) results in an in-frame deletion that is predicted to remove 11 amino acids from Formin, FH2 domain (IPR015425) of the encoded protein. This variant is within a repeat region, consist of GIPLPPPLPGA or GIPPPPPLPGA, and inframe del/dup from this region have not been reported in HGMD. The variant allele was found at a frequency of 0.0024 in 219330 control chromosomes in the gnomAD database, including 1 homozygotes. To our knowledge, no occurrence of c.2844_2876del33 in individuals affected with Intellectual Disability, Autosomal Recessive 47 and no experimental evidence demonstrating its impact on protein function have been reported. ClinVar contains an entry for this variant (Variation ID: 446013). Based on the evidence outlined above, the variant was classified as likely benign.

Department of Pathology and Laboratory Medicine, Sinai Health System
Classification: Likely benign for Intellectual developmental disorder, autosomal recessive 47. Last evaluated: 2021-07-30. Review status: criteria provided, single submitter. Criteria: ACMG Guidelines, 2015. Collection method: research. Allele origin: germline.

Center for Pediatric Genomic Medicine, Children's Mercy Hospital and Clinics
Classification: Likely benign. Last evaluated: 2017-04-27. Review status: criteria provided, single submitter. Criteria: ACMG Guidelines, 2015. Collection method: clinical testing. Allele origin: germline.